The following is an entry in ClinVar:

ClinVar aggregate classification (germline): Uncertain significance (1 of 4 stars; one submission).

Conditions:
Cardiomyopathy (CMYO). Also called: Cardiomyopathies. Identifiers: Orphanet 167848, MedGen C0878544, MONDO:0004994, HP:0001638. Inheritance: Various modes of inheritance.

Submission:

Color Diagnostics, LLC DBA Color Health
Classification: Uncertain significance for Cardiomyopathy. Last evaluated: 2025-08-04. Review status: criteria provided, single submitter. Criteria: ACMG Guidelines, 2015. Collection method: clinical testing. Allele origin: germline.
Comment: This missense variant replaces isoleucine with asparagine at codon 1238 of the MYH7 protein. Computational prediction is inconclusive regarding the impact of this variant on protein structure and function. To our knowledge, functional studies have not been reported for this variant. This variant has not been reported in individuals affected with MYH7-related disorders in the literature. This variant has not been identified in the general population by the Genome Aggregation Database (gnomAD). The available evidence is insufficient to determine the role of this variant in disease conclusively. Therefore, this variant is classified as a Variant of Uncertain Significance.

NM_000257.4(MYH7):c.3713T>A (p.Ile1238Asn)

Gene: MYH7 (myosin heavy chain 7; minus strand). Cytogenetic location: 14q11.2.
Variant type: single nucleotide variant.
Coding change: c.3713T>A on transcript NM_000257.4 (MANE Select); coding-DNA position 3713, T replaced by A.
Protein change: p.Ile1238Asn; replaces isoleucine 1238 with asparagine.
Molecular consequence: missense variant.
Genome position (GRCh38, 1-based): chr14:23,419,858, A>T on the plus strand (T>A on the coding strand, the complement: MYH7 is on the minus strand). VCF-style: chr14-23419858-A-T. GRCh37 (hg19) VCF-style: chr14-23889067-A-T.
Other names: c.3713T>A, p.Ile1238Asn (NM_001407004.1); short protein forms I1238N.
Identifiers: ClinVar variation 4759104 (VCV004759104.1).